The following is an entry in ClinVar:

NM_000138.5(FBN1):c.1211C>G (p.Pro404Arg)

Gene: FBN1 (fibrillin 1; minus strand). Cytogenetic location: 15q21.1.
Variant type: single nucleotide variant.
Coding change: c.1211C>G on transcript NM_000138.5 (MANE Select); coding-DNA position 1211, C replaced by G.
Protein change: p.Pro404Arg; replaces proline 404 with arginine.
Molecular consequence: missense variant.
Genome position (GRCh38, 1-based): chr15:48,516,299, G>C on the plus strand (C>G on the coding strand, the complement: FBN1 is on the minus strand). VCF-style: chr15-48516299-G-C. GRCh37 (hg19) VCF-style: chr15-48808496-G-C.
Other names: short protein forms P404R.
Identifiers: ClinVar variation 451043 (VCV000451043.12), dbSNP rs779930519, ClinGen allele CA392345612.
Genomic context (GRCh38, chr15:48,516,299, plus strand): 5'-TGAGGTCCAGGAGGAAAGCCAGGAGGAACAGGGAGAACTGGAGGAATGGGGCCAAGGGGT[G>C]GGGGAGGATATTCTGGTCTCCCAGGAATTACCATAGGAACAGAGCACAGCTTGTTGAAAT-3'
Protein context (NP_000129.3, residues 394-414): VIPGRPEYPP[Pro404Arg]PLGPIPPVLP

ClinVar aggregate classification (germline): Conflicting classifications of pathogenicity. Review status: criteria provided, conflicting classifications (1 of 4 stars). 5 submissions from 5 submitters: Uncertain significance (4); Likely benign (1). Last evaluated 2025-07-29.

Conditions:
Marfan syndrome (MFS). Also called: MARFAN SYNDROME, TYPE I; FBN1-Related Marfan Syndrome; Marfan syndrome type 1; Marfan's syndrome; Marfan syndrome, classic. Identifiers: Orphanet 284963, Orphanet 558, MedGen C0024796, MONDO:0007947, OMIM 154700.
Familial thoracic aortic aneurysm and aortic dissection (TAAD). Also called: Thoracic aortic aneurysms and dissections. Identifiers: Orphanet 91387, MedGen C4707243, MONDO:0019625.

gnomAD v4.1: 18 of 1,613,806 alleles (0.0011%); highest among the groups gnomAD compares: Admixed American, 0.0017%; no homozygotes.

Submissions (5):

Color Diagnostics, LLC DBA Color Health
Classification: Uncertain significance for Familial thoracic aortic aneurysm and aortic dissection. Last evaluated: 2025-07-29. Review status: criteria provided, single submitter. Criteria: ACMG Guidelines, 2015. Collection method: clinical testing. Allele origin: germline.
Comment: This missense variant replaces proline with arginine at codon 404 of the FBN1 protein. Computational prediction suggests that this variant may not impact protein structure and function. To our knowledge, functional studies have not been reported for this variant. This variant has been reported in two related individuals affected with hereditary connective tissue disorder (PMID: 30675029) and in an individual affected with ascending aortic aneurysm (Weerakkody 2017, doctoral thesis, Imperial College London). This variant has not been identified in the general population by the Genome Aggregation Database (gnomAD). The available evidence is insufficient to determine the role of this variant in disease conclusively. Therefore, this variant is classified as a Variant of Uncertain Significance.

Labcorp Genetics (formerly Invitae), Labcorp
Classification: Likely benign for Marfan syndrome; Familial thoracic aortic aneurysm and aortic dissection. Last evaluated: 2024-11-11. Review status: criteria provided, single submitter. Criteria: Invitae Variant Classification Sherloc (09022015). Collection method: clinical testing. Allele origin: germline.

All of Us Research Program, National Institutes of Health
Classification: Uncertain significance for Marfan syndrome. Last evaluated: 2024-06-11. Review status: criteria provided, single submitter. Criteria: ACMG Guidelines, 2015. Collection method: clinical testing. Allele origin: germline. Inheritance: Autosomal dominant inheritance. Observed: 4 variant alleles, 4 heterozygotes.
Comment: This missense variant replaces proline with arginine at codon 404 of the FBN1 protein. Computational prediction suggests that this variant may not impact protein structure and function (internally defined REVEL score threshold <= 0.5, PMID: 27666373). To our knowledge, functional studies have not been reported for this variant. This variant has been reported in two related individuals affected with hereditary connective tissue disorder (PMID: 30675029) and in an individual affected with ascending aortic aneurysm (Weerakkody 2017, doctoral thesis, Imperial College London). This variant has not been identified in the general population by the Genome Aggregation Database (gnomAD). The available evidence is insufficient to determine the role of this variant in disease conclusively. Therefore, this variant is classified as a Variant of Uncertain Significance.

This study involves interpretation of variants in research participants for the purpose of population health screening. Participant phenotype was not available at the time of variant classification. Additional details can be found in publication PMID: 35346344, PMCID: PMC8962531

GeneDx
Classification: Uncertain significance. Last evaluated: 2022-12-14. Review status: criteria provided, single submitter. Criteria: GeneDx Variant Classification Process June 2021. Collection method: clinical testing. Allele origin: germline. Affected: yes.
Comment: Has been reported in a patient with a connective tissue disorder phenotype (Renner et al., 2019); Not observed at significant frequency in large population cohorts (gnomAD); In silico analysis supports that this missense variant does not alter protein structure/function; Does not affect a cysteine residue within a calcium-binding EGF-like domain or a TGF-binding protein domain of the FBN1 gene; cysteine substitutions in the calcium-binding EGF-like domains represent the majority of pathogenic missense changes associated with FBN1-related disorders (Collod-Beroud et al., 2003); This variant is associated with the following publications: (PMID: 30675029)

Women's Health and Genetics/Laboratory Corporation of America, LabCorp
Classification: Uncertain significance. Last evaluated: 2017-02-15. Review status: criteria provided, single submitter. Criteria: LabCorp Variant Classification Summary - May 2015. Collection method: clinical testing. Allele origin: germline.
Comment: Variant summary: The FBN1 c.1211C>G (p.Pro404Arg) variant involves the alteration of a non-conserved nucleotide. 3/4 in silico tools predict a benign outcome for this variant (SNPs&GO not captured due to low reliability index). This variant is absent in 120,304 control chromosomes. The variant of interest has not, to our knowledge, been reported in affected individuals via publications and/or reputable databases/clinical diagnostic laboratories; nor evaluated for functional impact by in vivo/vitro studies. Because of the absence of clinical information and the lack of functional studies, the variant is classified as a variant of uncertain significance (VUS) until additional information becomes available.

Literature cited by the submitters: PubMed 30675029 (cited by Color Diagnostics, LLC DBA Color Health and All of Us Research Program, National Institutes of Health).